The following is an entry in ClinVar:

ClinVar aggregate classification (germline): Uncertain significance (1 of 4 stars; one submission).

Conditions:
KMT2D-related disorder. Also called: KMT2D-Related Disorders.

Submission:

PreventionGenetics, part of Exact Sciences
Classification: Uncertain significance for KMT2D-related condition. Last evaluated: 2026-01-01. Review status: criteria provided, single submitter. Criteria: ACMG Guidelines, 2015. Collection method: clinical testing. Allele origin: germline.
Comment: The KMT2D c.3563C>G variant is predicted to result in the amino acid substitution p.Pro1188Arg. To our knowledge, this variant has not been reported in the literature or in a large population database (gnomAD), indicating this variant is rare. At this time, the clinical significance of this variant is uncertain due to the absence of conclusive functional and genetic evidence.

NM_003482.4(KMT2D):c.3563C>G (p.Pro1188Arg)

Genes: KMT2D (lysine methyltransferase 2D; minus strand), LOC126861520 (CDK7 strongly-dependent group 2 enhancer GRCh37_chr12:49442744-49443943; plus strand). Cytogenetic location: 12q13.12.
Variant type: single nucleotide variant.
Coding change: c.3563C>G on transcript NM_003482.4 (MANE Select); coding-DNA position 3563, C replaced by G.
Protein change: p.Pro1188Arg; replaces proline 1188 with arginine.
Molecular consequence: missense variant.
Genome position (GRCh38, 1-based): chr12:49,050,025, G>C on the plus strand (C>G on the coding strand, the complement: KMT2D is on the minus strand). VCF-style: chr12-49050025-G-C. GRCh37 (hg19) VCF-style: chr12-49443808-G-C.
Other names: short protein forms P1188R.
Identifiers: ClinVar variation 4994875 (VCV004994875.1).